The following is an entry in ClinVar:

ClinVar aggregate classification (germline): Pathogenic/Likely pathogenic. Review status: criteria provided, multiple submitters, no conflicts (2 of 4 stars). 3 submissions from 3 submitters: Pathogenic (1); Likely pathogenic (2). Last evaluated 2022-02-01.

Conditions:
CDH23-related disorder. Also called: CDH23-related condition; CDH23-related disorders.

Submissions (3):

Labcorp Genetics (formerly Invitae), Labcorp
Classification: Pathogenic. Last evaluated: 2022-02-01. Review status: criteria provided, single submitter. Criteria: Invitae Variant Classification Sherloc (09022015). Collection method: clinical testing. Allele origin: germline.
Comment: For these reasons, this variant has been classified as Pathogenic. ClinVar contains an entry for this variant (Variation ID: 503854). This variant has not been reported in the literature in individuals affected with CDH23-related conditions. This variant is not present in population databases (gnomAD no frequency). This sequence change creates a premature translational stop signal (p.Phe995Serfs*23) in the CDH23 gene. It is expected to result in an absent or disrupted protein product. Loss-of-function variants in CDH23 are known to be pathogenic (PMID: 11138009, 21940737).

Blueprint Genetics
Classification: Likely pathogenic for CDH23-related disorders. Last evaluated: 2019-02-19. Review status: criteria provided, single submitter. Criteria: ACMG Guidelines, 2015. Collection method: clinical testing. Allele origin: germline. Affected: yes. Observed: 1 variant allele.

GeneDx
Classification: Likely pathogenic. Last evaluated: 2017-12-05. Review status: criteria provided, single submitter. Criteria: GeneDx Variant Classification (06012015). Collection method: clinical testing. Allele origin: germline. Affected: yes.
Comment: The c.2984delT variant in the CDH23 gene has not been reported previously as a pathogenic variant, nor as a benign variant, to our knowledge. The c.2984delT variant causes a frameshift starting with codon Phenylalanine 995, changes this amino acid to a Serine residue, and creates a premature Stop codon at position 23 of the new reading frame, denoted p.Phe995SerfsX23. This variant is predicted to cause loss of normal protein function either through protein truncation or nonsense-mediated mRNA decay. The c.2984delT variant is not observed in large population cohorts (Lek et al., 2016). We interpret c.2984delT as a likely pathogenic variant.

Literature cited by the submitters: PubMed 11138009 (cited by Labcorp Genetics (formerly Invitae), Labcorp); PubMed 21940737 (cited by Labcorp Genetics (formerly Invitae), Labcorp).

NM_022124.6(CDH23):c.2984del (p.Phe995fs)

Gene: CDH23 (cadherin related 23; plus strand). Cytogenetic location: 10q22.1.
Variant type: Deletion.
Coding change: c.2984del on transcript NM_022124.6 (MANE Select); coding-DNA position 2984, one base deleted (T; older notation c.2984delT).
Protein change: p.Phe995fs; shifts the reading frame from phenylalanine 995.
Molecular consequence: frameshift variant.
Genome position (GRCh38, 1-based): chr10:71,706,927, T deleted; the last of 2 consecutive T bases (chr10:71,706,926-71,706,927); deleting either gives the same sequence. VCF-style (leftmost placement, unchanged base first): chr10-71706925-CT-C. GRCh37 (hg19) VCF-style: chr10-73466682-CT-C.
Other names: c.2984del, p.Phe995fs (NM_001171930.2, NM_001171931.2); short protein forms F995fs.
Identifiers: ClinVar variation 503854 (VCV000503854.7), dbSNP rs1554858698, ClinGen allele CA658797435.